The following is an entry in ClinVar:

ClinVar aggregate classification (germline): Pathogenic (1 of 4 stars; one submission).

Conditions:
Dyskeratosis congenita. Identifiers: Orphanet 1775, MedGen C0265965, MONDO:0015780.

Submission:

Labcorp Genetics (formerly Invitae), Labcorp
Classification: Pathogenic for Dyskeratosis congenita. Last evaluated: 2025-10-29. Review status: criteria provided, single submitter. Criteria: Invitae Variant Classification Sherloc (09022015). Collection method: clinical testing. Allele origin: germline.
Comment: This sequence change creates a premature translational stop signal (p.Glu176Argfs*64) in the CTC1 gene. It is expected to result in an absent or disrupted protein product. Loss-of-function variants in CTC1 are known to be pathogenic (PMID: 22267198, 22387016). This variant is not present in population databases (gnomAD no frequency). This variant has not been reported in the literature in individuals affected with CTC1-related conditions. For these reasons, this variant has been classified as Pathogenic.

Literature cited by the submitters: PubMed 22267198; PubMed 22387016.

NM_025099.6(CTC1):c.522_523del (p.Glu176fs)

Gene: CTC1 (CST telomere replication complex component 1; minus strand). Cytogenetic location: 17p13.1.
Variant type: Deletion.
Coding change: c.522_523del on transcript NM_025099.6 (MANE Select); coding-DNA positions 522 to 523, 2 bases deleted (AG; older notation c.522_523delAG).
Protein change: p.Glu176fs; shifts the reading frame from glutamic acid 176.
Molecular consequence: frameshift variant. On other transcripts: non-coding transcript variant (1).
Genome position (GRCh38, 1-based): chr17:8,238,155-8,238,156, CT deleted on the plus strand (AG on the coding strand, the reverse complement: CTC1 is on the minus strand). VCF-style (leftmost placement, unchanged base first): chr17-8238154-CCT-C. GRCh37 (hg19) VCF-style: chr17-8141472-CCT-C.
Other names: c.522_523del, p.Glu176fs (NM_001411067.1); short protein forms E176fs.
Identifiers: ClinVar variation 4693272 (VCV004693272.1).